The following is an entry in ClinVar:

ClinVar aggregate classification (germline): Uncertain significance (1 of 4 stars; one submission).

Submission:

GeneDx
Classification: Uncertain significance. Last evaluated: 2019-04-12. Review status: criteria provided, single submitter. Criteria: GeneDx Variant Classification Process June 2021. Collection method: clinical testing. Allele origin: germline. Affected: yes.
Comment: Not observed in large population cohorts (Lek et al., 2016); Frameshift variant predicted to result in protein truncation as the last 62 amino acids are lost and replaced with 30 incorrect amino acids, although loss-of-function variants have not been reported downstream of this position in the protein; Has not been previously published as pathogenic or benign to our knowledge; Variants in candidate genes are classified as variants of uncertain significance in accordance with ACMG guidelines (Richards et al., 2015)

NM_007192.4(SUPT16H):c.2958del (p.Ser986fs)

Gene: SUPT16H (SPT16 homolog, facilitates chromatin remodeling subunit; minus strand). Cytogenetic location: 14q11.2.
Variant type: Deletion.
Coding change: c.2958del on transcript NM_007192.4 (MANE Select); coding-DNA position 2958, one base deleted (T; older notation c.2958delT).
Protein change: p.Ser986fs; shifts the reading frame from serine 986.
Molecular consequence: frameshift variant.
Genome position (GRCh38, 1-based): chr14:21,353,528, A deleted on the plus strand (T on the coding strand, the reverse complement: SUPT16H is on the minus strand). VCF-style (leftmost placement, unchanged base first): chr14-21353527-CA-C. GRCh37 (hg19) VCF-style: chr14-21821686-CA-C.
Other names: short protein forms S986fs.
Identifiers: ClinVar variation 1303685 (VCV001303685.2), dbSNP rs2139393541, ClinGen allele CA2573053868.